The following is an entry in ClinVar:

NM_000784.4(CYP27A1):c.494T>A (p.Leu165Ter)

Gene: CYP27A1 (cytochrome P450 family 27 subfamily A member 1; plus strand). Cytogenetic location: 2q35.
Variant type: single nucleotide variant.
Coding change: c.494T>A on transcript NM_000784.4 (MANE Select); coding-DNA position 494, T replaced by A.
Protein change: p.Leu165Ter; replaces leucine 165 with a stop codon.
Molecular consequence: nonsense.
Genome position (GRCh38, 1-based): chr2:218,812,269, T>A. VCF-style: chr2-218812269-T-A. GRCh37 (hg19) VCF-style: chr2-219676992-T-A.
Other names: short protein forms L165*.
Identifiers: ClinVar variation 1725507 (VCV001725507.2), dbSNP rs2470226435, ClinGen allele CA350584904.
Genomic context (GRCh38, chr2:218,812,269, plus strand): 5'-TGCGTCCCTGCAGGGAAGGACACCACTGGTACCAGCTGCGCCAGGCTCTGAACCAGCGGT[T>A]GCTGAAGCCAGCGGAAGCAGCGCTCTATACGGATGCTTTCAATGAGGTGATTGATGACTT-3'

ClinVar aggregate classification (germline): Likely pathogenic (1 of 4 stars; one submission).

Conditions:
Cholestanol storage disease (CTX). Also called: CEREBRAL CHOLESTERINOSIS; CTX: Cerebrotendinous xanthomatosis; Cerebrotendinous Xanthomatosis. Identifiers: Orphanet 909, MedGen C0238052, MONDO:0008948, OMIM 213700.

Submission:

Myriad Genetics, Inc.
Classification: Likely pathogenic for Cholestanol storage disease. Last evaluated: 2022-03-29. Review status: criteria provided, single submitter. Criteria: Myriad Women's Health Autosomal Recessive and X-Linked Classification Criteria (2021). Collection method: clinical testing. Allele origin: unknown.
Comment: NM_000784.3(CYP27A1):c.494T>A(L165*) is expected to be pathogenic in the context of cerebrotendinous xanthomatosis. This variant is predicted to lead to an abnormal or absent protein product due to the creation of a premature termination codon in CYP27A1, a gene where loss-of-function variants are known to be pathogenic. Please note: this variant was assessed in the context of healthy population screening.